The following is an entry in ClinVar:

ClinVar aggregate classification (germline): Pathogenic/Likely pathogenic. Review status: criteria provided, multiple submitters, no conflicts (2 of 4 stars). 5 submissions from 5 submitters: Pathogenic (1); Likely pathogenic (3). 1 of the submissions does not count toward it. Last evaluated 2025-07-11.

Conditions:
Holocarboxylase synthetase deficiency. Also called: MULTIPLE CARBOXYLASE DEFICIENCY, EARLY ONSET. Identifiers: Orphanet 79242, MedGen C0268581, MONDO:0009666, OMIM 253270.

Allele frequency attached by ClinVar (database versions not stated): gnomAD exomes 0.00001; ExAC 0.00002; TOPMed 0.00003; gnomAD 0.00004; ESP Exome Variant Server 0.00008.

Submissions (5):

Natera, Inc.
Classification: Likely pathogenic for Holocarboxylase synthetase deficiency. Last evaluated: 2025-07-11. Review status: criteria provided, single submitter. Criteria: Natera Variant Classification Schema (03/2026). Collection method: clinical testing. Allele origin: germline.
Comment: The c.1819dupA variant in HLCS is a frameshift variant predicted to shift the reading frame beginning at codon 607 and leads to a stop codon 2 codons downstream. This variant is expected to result in nonsense mediated decay, truncation, or a dysfunctional protein product. This variant is rare in the general population with a frequency below the threshold expected for the associated phenotype(s). Given the available evidence, this variant is classified as Likely Pathogenic.

Fulgent Genetics
Classification: Likely pathogenic for Holocarboxylase synthetase deficiency. Last evaluated: 2024-04-22. Review status: criteria provided, single submitter. Criteria: ACMG Guidelines, 2015. Collection method: clinical testing. Allele origin: germline.

Baylor Genetics
Classification: Likely pathogenic for Holocarboxylase synthetase deficiency. Last evaluated: 2024-02-09. Review status: criteria provided, single submitter. Criteria: ACMG Guidelines, 2015. Collection method: clinical testing. Allele origin: unknown.

Labcorp Genetics (formerly Invitae), Labcorp
Classification: Pathogenic for Holocarboxylase synthetase deficiency. Last evaluated: 2022-07-13. Review status: criteria provided, single submitter. Criteria: Invitae Variant Classification Sherloc (09022015). Collection method: clinical testing. Allele origin: germline.
Comment: This sequence change creates a premature translational stop signal (p.Ser607Lysfs*2) in the HLCS gene. It is expected to result in an absent or disrupted protein product. Loss-of-function variants in HLCS are known to be pathogenic (PMID: 16134170). This variant is present in population databases (rs766163167, gnomAD 0.01%). This variant has not been reported in the literature in individuals affected with HLCS-related conditions. ClinVar contains an entry for this variant (Variation ID: 553733). Algorithms developed to predict the effect of sequence changes on RNA splicing suggest that this variant may create or strengthen a splice site. For these reasons, this variant has been classified as Pathogenic.

Counsyl
Classification: Likely pathogenic for Holocarboxylase synthetase deficiency. Last evaluated: 2017-09-06. Review status: no assertion criteria provided. Collection method: clinical testing. Allele origin: unknown. Not counted in ClinVar's aggregate classification.

Literature cited by the submitters: PubMed 16134170 (cited by Labcorp Genetics (formerly Invitae), Labcorp).

NM_001352514.2(HLCS):c.2260dup (p.Ser754fs)

Gene: HLCS (holocarboxylase synthetase; minus strand). Cytogenetic location: 21q22.13.
Variant type: Duplication.
Coding change: c.2260dup on transcript NM_001352514.2 (MANE Select); coding-DNA position 2260, one base duplicated (A; older notation c.2260dupA).
Protein change: p.Ser754fs; shifts the reading frame from serine 754.
Molecular consequence: frameshift variant. On other transcripts: non-coding transcript variant (2).
Genome position (GRCh38, 1-based): chr21:36,756,732, T duplicated on the plus strand (A on the coding strand, the reverse complement: HLCS is on the minus strand). VCF-style (leftmost placement, unchanged base first): chr21-36756731-C-CT. GRCh37 (hg19) VCF-style: chr21-38129032-C-CT.
Other names: c.1819dup, p.Ser607fs (NM_000411.8, NM_001242784.3, NM_001242785.2 and 4 more transcripts); c.1819dupA (NM_000411.7); short protein forms S754fs, S607fs.
Identifiers: ClinVar variation 553733 (VCV000553733.11), dbSNP rs766163167, ClinGen allele CA10020307.